The following is an entry in ClinVar:

ClinVar aggregate classification (germline): Pathogenic (1 of 4 stars; one submission).

gnomAD v4.1: 3 of 1,614,186 alleles (0.00019%); highest among the groups gnomAD compares: Non-Finnish European, 0.00025%; no homozygotes.

Submission:

Labcorp Genetics (formerly Invitae), Labcorp
Classification: Pathogenic. Last evaluated: 2024-12-16. Review status: criteria provided, single submitter. Criteria: Invitae Variant Classification Sherloc (09022015). Collection method: clinical testing. Allele origin: germline.
Comment: This sequence change affects a donor splice site in intron 13 of the FERMT1 gene. RNA analysis indicates that disruption of this splice site induces altered splicing and may result in an absent or altered protein product. This variant is not present in population databases (gnomAD no frequency). Disruption of this splice site has been observed in individuals with Kindler syndrome (PMID: 17460733, 18652585). Studies have shown that disruption of this splice site results in skipping of exon 13, and produces a non-functional protein and/or introduces a premature termination codon (PMID: 18652585). For these reasons, this variant has been classified as Pathogenic.

Literature cited by the submitters: PubMed 17460733; PubMed 18652585.

NM_017671.5(FERMT1):c.1718+1G>A

Gene: FERMT1 (FERM domain containing kindlin 1; minus strand). Cytogenetic location: 20p12.3.
Variant type: single nucleotide variant.
Coding change: c.1718+1G>A on transcript NM_017671.5 (MANE Select); the canonical splice donor site of the intron after coding-DNA position 1718, G replaced by A.
Molecular consequence: splice donor variant.
Genome position (GRCh38, 1-based): chr20:6,084,039, C>T on the plus strand (G>A on the coding strand, the complement: FERMT1 is on the minus strand). VCF-style: chr20-6084039-C-T. GRCh37 (hg19) VCF-style: chr20-6064686-C-T.
Identifiers: ClinVar variation 3723700 (VCV003723700.2).